The following is an entry in ClinVar:

NM_001332.4(CTNND2):c.1549A>G (p.Ser517Gly)

Gene: CTNND2 (catenin delta 2; minus strand). Cytogenetic location: 5p15.2.
Variant type: single nucleotide variant.
Coding change: c.1549A>G on transcript NM_001332.4 (MANE Select); coding-DNA position 1549, A replaced by G.
Protein change: p.Ser517Gly; replaces serine 517 with glycine.
Molecular consequence: missense variant. On other transcripts: non-coding transcript variant (1).
Genome position (GRCh38, 1-based): chr5:11,346,451, T>C on the plus strand (A>G on the coding strand, the complement: CTNND2 is on the minus strand). VCF-style: chr5-11346451-T-C. GRCh37 (hg19) VCF-style: chr5-11346563-T-C.
Other names: c.1276A>G, p.Ser426Gly (NM_001288715.1); c.538A>G, p.Ser180Gly (NM_001288716.1, NM_001364128.2); c.250A>G, p.Ser84Gly (NM_001288717.2); short protein forms S180G, S426G, S517G, S84G.
Identifiers: ClinVar variation 2673006 (VCV002673006.23), dbSNP rs1754789788, ClinGen allele CA359278573.

ClinVar aggregate classification (germline): Uncertain significance (1 of 4 stars; one submission).

Submission:

CeGaT Center for Human Genetics Tuebingen
Classification: Uncertain significance. Last evaluated: 2023-11-01. Review status: criteria provided, single submitter. Criteria: CeGaT Center For Human Genetics Tuebingen Variant Classification Criteria Version 2. Collection method: clinical testing. Allele origin: germline. Affected: yes. Observed: 1 variant allele.
Comment: CTNND2: PM2